The following is an entry in ClinVar:

NM_007294.4(BRCA1):c.4302T>A (p.Ser1434Arg)

Gene: BRCA1 (BRCA1 DNA repair associated; minus strand). Cytogenetic location: 17q21.31.
Variant type: single nucleotide variant.
Coding change: c.4302T>A on transcript NM_007294.4 (MANE Select); coding-DNA position 4302, T replaced by A.
Protein change: p.Ser1434Arg; replaces serine 1434 with arginine.
Molecular consequence: missense variant.
Genome position (GRCh38, 1-based): chr17:43,082,459, A>T on the plus strand (T>A on the coding strand, the complement: BRCA1 is on the minus strand). VCF-style: chr17-43082459-A-T. GRCh37 (hg19) VCF-style: chr17-41234476-A-T.
Other names: c.4161T>A, p.Ser1387Arg (NM_007297.4, NM_001407942.1, NM_001407944.1 and 23 more transcripts); c.993T>A, p.Ser331Arg (NM_007298.4, NM_007299.4, NM_007304.2 and 9 more transcripts); c.4299T>A, p.Ser1433Arg (NM_001407610.1, NM_001407613.1, NM_001407612.1 and 21 more transcripts); c.4302T>A, p.Ser1434Arg (NM_007300.4, NM_001407581.1, NM_001407582.1 and 23 more transcripts); c.4092T>A, p.Ser1364Arg (NM_001407889.1, NM_001407900.1, NM_001407902.1 and 9 more transcripts); c.4089T>A, p.Ser1363Arg (NM_001407894.1, NM_001407895.1, NM_001407896.1 and 12 more transcripts); c.4086T>A, p.Ser1362Arg (NM_001407915.1); c.4179T>A, p.Ser1393Arg (NM_001407919.1, NM_001407937.1, NM_001407938.1 and 13 more transcripts); and 51 more; short protein forms S1138R, S1265R, S1306R, S1307R, S1321R, S1322R, S1323R, S1344R.
Identifiers: ClinVar variation 3226152 (VCV003226152.1), dbSNP rs2154150591, ClinGen allele CA10593117.
Genomic context (GRCh38, chr17:43,082,459, plus strand): 5'-CACACCTTTTTCTGATGTGCTTTGTTCTGGATTTCGCAGGTCCTCAAGGGCAGAAGAGTC[A>T]CTTATGATGGAAGGGTAGCTGTTAGAAGGCTGGCTCCCATGCTGTTCTAACACAGCTTCT-3'
Protein context (NP_009225.1, residues 1424-1444): QPSNSYPSII[Ser1434Arg]DSSALEDLRN

ClinVar aggregate classification (germline): Uncertain significance (1 of 4 stars; one submission).

Conditions:
Hereditary cancer-predisposing syndrome. Also called: Neoplastic Syndromes, Hereditary; Tumor predisposition; Hereditary neoplastic syndrome; Hereditary Cancer Syndrome. Identifiers: Orphanet 140162, MedGen C0027672, MeSH D009386, MONDO:0015356.

Allele frequency attached by ClinVar (database versions not stated): gnomAD exomes below 0.00001.
gnomAD v4.1: 1 of 1,614,172 alleles (0.000062%); highest among the groups gnomAD compares: Non-Finnish European, 0.000085%; no homozygotes.

Submission:

Ambry Genetics
Classification: Uncertain significance for Hereditary cancer-predisposing syndrome. Last evaluated: 2023-12-16. Review status: criteria provided, single submitter. Criteria: Ambry Variant Classification Scheme 2023. Collection method: clinical testing. Allele origin: germline.
Comment: The p.S1434R variant (also known as c.4302T>A), located in coding exon 11 of the BRCA1 gene, results from a T to A substitution at nucleotide position 4302. The serine at codon 1434 is replaced by arginine, an amino acid with dissimilar properties. This amino acid position is conserved. In addition, this alteration is predicted to be tolerated by in silico analysis. Since supporting evidence is limited at this time, the clinical significance of this alteration remains unclear.